The following is an entry in ClinVar:

ClinVar aggregate classification (germline): Uncertain significance (1 of 4 stars; one submission).

gnomAD v4.1: 1 of 1,613,654 alleles (0.000062%); highest among the groups gnomAD compares: Non-Finnish European, 0.000085%; no homozygotes.

Submission:

Labcorp Genetics (formerly Invitae), Labcorp
Classification: Uncertain significance. Last evaluated: 2025-01-27. Review status: criteria provided, single submitter. Criteria: Invitae Variant Classification Sherloc (09022015). Collection method: clinical testing. Allele origin: germline.
Comment: This sequence change replaces alanine, which is neutral and non-polar, with serine, which is neutral and polar, at codon 237 of the RIMS1 protein (p.Ala237Ser). This variant is not present in population databases (gnomAD no frequency). This variant has not been reported in the literature in individuals affected with RIMS1-related conditions. ClinVar contains an entry for this variant (Variation ID: 1449447). An algorithm developed to predict the effect of missense changes on protein structure and function (PolyPhen-2) suggests that this variant is likely to be tolerated. In summary, the available evidence is currently insufficient to determine the role of this variant in disease. Therefore, it has been classified as a Variant of Uncertain Significance.

NM_014989.7(RIMS1):c.709G>T (p.Ala237Ser)

Gene: RIMS1 (regulating synaptic membrane exocytosis 1; plus strand). Cytogenetic location: 6q13.
Variant type: single nucleotide variant.
Coding change: c.709G>T on transcript NM_014989.7 (MANE Select); coding-DNA position 709, G replaced by T.
Protein change: p.Ala237Ser; replaces alanine 237 with serine.
Molecular consequence: missense variant.
Genome position (GRCh38, 1-based): chr6:72,179,812, G>T. VCF-style: chr6-72179812-G-T. GRCh37 (hg19) VCF-style: chr6-72889515-G-T.
Other names: short protein forms A237S.
Identifiers: ClinVar variation 1449447 (VCV001449447.8), dbSNP rs1344104997, ClinGen allele CA364818725.
Genomic context (GRCh38, chr6:72,179,812, plus strand): 5'-CGGTCTCAGACACCCCTAAGCACAGCAGCTGCCTCCTCCCAGGATGCTGCTCCTCCCAGC[G>T]CACCACCAGACAGGAGCAAAGGGGCTGAGCCCTCGCAGCAAGCCTTGGGGCCTGAACAGA-3'
Protein context (NP_055804.2, residues 227-247): ASSQDAAPPS[Ala237Ser]PPDRSKGAEP